The following is an entry in ClinVar:

NM_000702.4(ATP1A2):c.2833G>A (p.Gly945Ser)

Gene: ATP1A2 (ATPase Na+/K+ transporting subunit alpha 2; plus strand). Cytogenetic location: 1q23.2.
Variant type: single nucleotide variant.
Coding change: c.2833G>A on transcript NM_000702.4 (MANE Select); coding-DNA position 2833, G replaced by A.
Protein change: p.Gly945Ser; replaces glycine 945 with serine.
Molecular consequence: missense variant.
Genome position (GRCh38, 1-based): chr1:160,137,024, G>A. VCF-style: chr1-160137024-G-A. GRCh37 (hg19) VCF-style: chr1-160106814-G-A.
Other names: short protein forms G945S.
Identifiers: ClinVar variation 2828174 (VCV002828174.3), dbSNP rs2524892120, ClinGen allele CA343252933.

ClinVar aggregate classification (germline): Uncertain significance (1 of 4 stars; one submission).

Conditions:
Familial hemiplegic migraine. Identifiers: MedGen C0338484, MONDO:0000700.

Submission:

Labcorp Genetics (formerly Invitae), Labcorp
Classification: Uncertain significance for Familial hemiplegic migraine. Last evaluated: 2023-03-11. Review status: criteria provided, single submitter. Criteria: Invitae Variant Classification Sherloc (09022015). Collection method: clinical testing. Allele origin: germline.
Comment: This variant has not been reported in the literature in individuals affected with ATP1A2-related conditions. Advanced modeling of protein sequence and biophysical properties (such as structural, functional, and spatial information, amino acid conservation, physicochemical variation, residue mobility, and thermodynamic stability) has been performed at Invitae for this missense variant, however the output from this modeling did not meet the statistical confidence thresholds required to predict the impact of this variant on ATP1A2 protein function. In summary, the available evidence is currently insufficient to determine the role of this variant in disease. Therefore, it has been classified as a Variant of Uncertain Significance. This variant is not present in population databases (gnomAD no frequency). This sequence change replaces glycine, which is neutral and non-polar, with serine, which is neutral and polar, at codon 945 of the ATP1A2 protein (p.Gly945Ser).